The following is an entry in ClinVar:

NM_152447.5(LRFN5):c.2151G>A (p.Glu717=)

Gene: LRFN5 (leucine rich repeat and fibronectin type III domain containing 5; plus strand). Cytogenetic location: 14q21.1.
Variant type: single nucleotide variant.
Coding change: c.2151G>A on transcript NM_152447.5 (MANE Select); coding-DNA position 2151, G replaced by A.
Protein change: p.Glu717=; no amino-acid change (glutamic acid 717 retained).
Molecular consequence: synonymous variant. On other transcripts: 3 prime UTR variant (2), non-coding transcript variant (2).
Genome position (GRCh38, 1-based): chr14:41,904,166, G>A. VCF-style: chr14-41904166-G-A. GRCh37 (hg19) VCF-style: chr14-42373369-G-A.
Other names: c.*37G>A (NM_001330106.2, NM_001346175.2); c.2151G>A, p.Glu717= (NM_001346173.2).
Identifiers: ClinVar variation 3055940 (VCV003055940.2), dbSNP rs116217484, ClinGen allele CA7165706.

ClinVar aggregate classification (germline): Benign (0 of 4 stars; one submission).

Conditions:
LRFN5-related disorder. Also called: LRFN5-related condition.

Allele frequency attached by ClinVar (database versions not stated): gnomAD exomes 0.00044; ExAC 0.00182; gnomAD 0.00546; TOPMed 0.00563; 1000 Genomes Project 0.00579; 1000 Genomes Project 30x 0.00625; ESP Exome Variant Server 0.00669.
gnomAD v4.1: 1,486 of 1,604,858 alleles (0.093%); highest among the groups gnomAD compares: African/African-American, 1.8%; 11 homozygotes.

Submission:

PreventionGenetics, part of Exact Sciences
Classification: Benign for LRFN5-related condition. Last evaluated: 2019-04-02. Review status: no assertion criteria provided. Collection method: clinical testing. Allele origin: germline.
Comment: This variant is classified as benign based on ACMG/AMP sequence variant interpretation guidelines (Richards et al. 2015 PMID: 25741868, with internal and published modifications).